The following is an entry in ClinVar:

NM_001257096.2(PAX1):c.158C>T (p.Ser53Leu)

Gene: PAX1 (paired box 1; plus strand). Cytogenetic location: 20p11.22.
Variant type: single nucleotide variant.
Coding change: c.158C>T on transcript NM_001257096.2 (MANE Select); coding-DNA position 158, C replaced by T.
Protein change: p.Ser53Leu; replaces serine 53 with leucine.
Molecular consequence: missense variant.
Genome position (GRCh38, 1-based): chr20:21,705,870, C>T. VCF-style: chr20-21705870-C-T. GRCh37 (hg19) VCF-style: chr20-21686508-C-T.
Other names: c.158C>T, p.Ser53Leu (NM_006192.5); short protein forms S53L.
Identifiers: ClinVar variation 1413708 (VCV001413708.3), dbSNP rs754338004, ClinGen allele CA313027376.
Genomic context (GRCh38, chr20:21,705,870, plus strand): 5'-TCCGCTGCCGCGCACAGCGCGTCTCCAGCCCGCGGCTGGGCCGCCGCGGCTCTCGGCTCT[C>T]GGGCGCCCTCCCTCTATGCCTCTCACGCGGCGGCGGCGGCGCCCAAGCTCTCCCGGACTG-3'
Protein context (NP_001244025.1, residues 43-63): PRLGRRGSRL[Ser53Leu]GALPLCLSRG

ClinVar aggregate classification (germline): Uncertain significance (1 of 4 stars; one submission).

Submission:

Labcorp Genetics (formerly Invitae), Labcorp
Classification: Uncertain significance. Last evaluated: 2022-03-07. Review status: criteria provided, single submitter. Criteria: Invitae Variant Classification Sherloc (09022015). Collection method: clinical testing. Allele origin: germline.
Comment: This sequence change replaces serine, which is neutral and polar, with leucine, which is neutral and non-polar, at codon 53 of the PAX1 protein (p.Ser53Leu). The frequency data for this variant in the population databases is considered unreliable, as metrics indicate poor data quality at this position in the gnomAD database. This variant has not been reported in the literature in individuals affected with PAX1-related conditions. Algorithms developed to predict the effect of missense changes on protein structure and function (SIFT, PolyPhen-2, Align-GVGD) all suggest that this variant is likely to be tolerated. In summary, the available evidence is currently insufficient to determine the role of this variant in disease. Therefore, it has been classified as a Variant of Uncertain Significance.